The following is an entry in ClinVar:

NM_004656.4(BAP1):c.655G>A (p.Ala219Thr)

Gene: BAP1 (BRCA1 associated deubiquitinase 1; minus strand). Cytogenetic location: 3p21.1.
Variant type: single nucleotide variant.
Coding change: c.655G>A on transcript NM_004656.4 (MANE Select); coding-DNA position 655, G replaced by A.
Protein change: p.Ala219Thr; replaces alanine 219 with threonine.
Molecular consequence: missense variant.
Genome position (GRCh38, 1-based): chr3:52,406,833, C>T on the plus strand (G>A on the coding strand, the complement: BAP1 is on the minus strand). VCF-style: chr3-52406833-C-T. GRCh37 (hg19) VCF-style: chr3-52440849-C-T.
Other names: c.655G>A, p.Ala219Thr (NM_001410772.1); short protein forms A219T.
Identifiers: ClinVar variation 2565177 (VCV002565177.2), dbSNP rs1193905526, ClinGen allele CA353108717.

ClinVar aggregate classification (germline): Uncertain significance (1 of 4 stars; one submission).

Conditions:
Hereditary cancer-predisposing syndrome. Also called: Neoplastic Syndromes, Hereditary; Hereditary Cancer Syndrome; Hereditary neoplastic syndrome; Tumor predisposition. Identifiers: Orphanet 140162, MedGen C0027672, MeSH D009386, MONDO:0015356.

Submission:

Ambry Genetics
Classification: Uncertain significance for Hereditary cancer-predisposing syndrome. Last evaluated: 2023-05-14. Review status: criteria provided, single submitter. Criteria: Ambry Variant Classification Scheme 2023. Collection method: clinical testing. Allele origin: germline.
Comment: The p.A219T variant (also known as c.655G>A), located in coding exon 8 of the BAP1 gene, results from a G to A substitution at nucleotide position 655. The alanine at codon 219 is replaced by threonine, an amino acid with similar properties. This amino acid position is conserved. In addition, this alteration is predicted to be tolerated by in silico analysis. Since supporting evidence is limited at this time, the clinical significance of this alteration remains unclear.